The following is an entry in ClinVar:

NM_006514.4(SCN10A):c.3094C>T (p.Gln1032Ter)

Genes: SCN10A (sodium voltage-gated channel alpha subunit 10; minus strand), LOC110121288 (VISTA enhancer hs2268; plus strand). Cytogenetic location: 3p22.2.
Variant type: single nucleotide variant.
Coding change: c.3094C>T on transcript NM_006514.4 (MANE Select); coding-DNA position 3094, C replaced by T.
Protein change: p.Gln1032Ter; replaces glutamine 1032 with a stop codon.
Molecular consequence: nonsense.
Genome position (GRCh38, 1-based): chr3:38,725,308, G>A on the plus strand (C>T on the coding strand, the complement: SCN10A is on the minus strand). VCF-style: chr3-38725308-G-A. GRCh37 (hg19) VCF-style: chr3-38766799-G-A.
Other names: c.3091C>T, p.Gln1031Ter (NM_001293306.2); c.2800C>T, p.Gln934Ter (NM_001293307.2); short protein forms Q934*, Q1031*, Q1032*.
Identifiers: ClinVar variation 1727492 (VCV001727492.2), dbSNP rs371331011, ClinGen allele CA2320353.
Genomic context (GRCh38, chr3:38,725,308, plus strand): 5'-TTCCAGTGCCTGGGCTCCTGGGTGTCAGGTGGTCCCCACACCTCTCGACTTGCTGCAGCT[G>A]CTCCTGCTAGTGAGAGAGGGTCCCAACTGGGTGCCTGGCCCCACCCTTAGATGACCAGTT-3'

ClinVar aggregate classification (germline): Uncertain significance (1 of 4 stars; one submission).

Conditions:
Cardiovascular phenotype. Identifiers: MedGen CN230736.

Allele frequency attached by ClinVar (database versions not stated): TOPMed 0.00001; ExAC 0.00002; ESP Exome Variant Server 0.00008.
gnomAD v4.1: 5 of 1,576,762 alleles (0.00032%); highest among the groups gnomAD compares: Non-Finnish European, 0.00043%; no homozygotes.

Submission:

Ambry Genetics
Classification: Uncertain significance for Cardiovascular phenotype. Last evaluated: 2020-11-17. Review status: criteria provided, single submitter. Criteria: Ambry Variant Classification Scheme 2023. Collection method: clinical testing. Allele origin: germline.
Comment: The p.Q1032* variant (also known as c.3094C>T), located in coding exon 17 of the SCN10A gene, results from a C to T substitution at nucleotide position 3094. This changes the amino acid from a glutamine to a stop codon within coding exon 17. This alteration is expected to result in premature protein truncation or nonsense-mediated mRNA decay. However, loss of function of SCN10A has not been clearly established as a mechanism of disease. Since supporting evidence is limited at this time, the clinical significance of this alteration remains unclear.